The following is an entry in ClinVar:

ClinVar aggregate classification (germline): Uncertain significance. Review status: criteria provided, multiple submitters, no conflicts (2 of 4 stars). 2 submissions from 2 submitters: Uncertain significance (2). Last evaluated 2022-10-21.

gnomAD v4.1: 10 of 1,613,976 alleles (0.00062%); highest among the groups gnomAD compares: South Asian, 0.0033%; no homozygotes.

Submissions (2):

Blueprint Genetics
Classification: Uncertain significance. Last evaluated: 2022-10-21. Review status: criteria provided, single submitter. Criteria: ACMG Guidelines, 2015. Collection method: clinical testing. Allele origin: germline.

Labcorp Genetics (formerly Invitae), Labcorp
Classification: Uncertain significance. Last evaluated: 2022-04-04. Review status: criteria provided, single submitter. Criteria: Invitae Variant Classification Sherloc (09022015). Collection method: clinical testing. Allele origin: germline.
Comment: This sequence change replaces proline, which is neutral and non-polar, with leucine, which is neutral and non-polar, at codon 4660 of the USH2A protein (p.Pro4660Leu). This variant is present in population databases (rs761367363, gnomAD 0.003%). This missense change has been observed in individual(s) with amyotrophic lateral sclerosis and retinitis pigmentosa (PMID: 25773295, 30948794). Algorithms developed to predict the effect of missense changes on protein structure and function (SIFT, PolyPhen-2, Align-GVGD) all suggest that this variant is likely to be disruptive. In summary, the available evidence is currently insufficient to determine the role of this variant in disease. Therefore, it has been classified as a Variant of Uncertain Significance.

Literature cited by the submitters: PubMed 25773295 (cited by Labcorp Genetics (formerly Invitae), Labcorp); PubMed 30948794 (cited by Labcorp Genetics (formerly Invitae), Labcorp).

NM_206933.4(USH2A):c.13979C>T (p.Pro4660Leu)

Gene: USH2A (usherin; minus strand). Cytogenetic location: 1q41.
Variant type: single nucleotide variant.
Coding change: c.13979C>T on transcript NM_206933.4 (MANE Select); coding-DNA position 13979, C replaced by T.
Protein change: p.Pro4660Leu; replaces proline 4660 with leucine.
Molecular consequence: missense variant.
Genome position (GRCh38, 1-based): chr1:215,671,126, G>A on the plus strand (C>T on the coding strand, the complement: USH2A is on the minus strand). VCF-style: chr1-215671126-G-A. GRCh37 (hg19) VCF-style: chr1-215844468-G-A.
Other names: short protein forms P4660L.
Identifiers: ClinVar variation 2202937 (VCV002202937.2), dbSNP rs761367363, ClinGen allele CA1393171.